The following is an entry in ClinVar:

ClinVar aggregate classification (germline): Pathogenic (1 of 4 stars; one submission).

Conditions:
Cerebellar ataxia-hypogonadism syndrome. Also called: CEREBELLAR ATAXIA AND HYPOGONADOTROPIC HYPOGONADISM; Luteinizing hormone releasing hormone, deficiency of with ataxia; Cerebellar ataxia hypogonadotropic hypogonadism; Gordon Holmes syndrome; LHRH DEFICIENCY AND ATAXIA. Identifiers: Orphanet 1173, MedGen C1859305, MONDO:0008935, OMIM 212840.

Submission:

3billion
Classification: Pathogenic for Cerebellar ataxia-hypogonadism syndrome. Last evaluated: 2023-02-23. Review status: criteria provided, single submitter. Criteria: ACMG Guidelines, 2015. Collection method: clinical testing. Allele origin: unknown. Affected: yes.
Comment: The variant is not observed in the gnomAD v2.1.1 dataset. This variant was predicted to result in a loss or disruption of normal protein function through nonsense-mediated decay (NMD) or protein truncation. Multiple pathogenic variants are reported downstream of the variant. Therefore, this variant is classified as Pathogenic according to the recommendation of ACMG/AMP guideline.

NM_207111.4(RNF216):c.986G>A (p.Trp329Ter)

Gene: RNF216 (ring finger protein 216; minus strand). Cytogenetic location: 7p22.1.
Variant type: single nucleotide variant.
Coding change: c.986G>A on transcript NM_207111.4 (MANE Select); coding-DNA position 986, G replaced by A.
Protein change: p.Trp329Ter; replaces tryptophan 329 with a stop codon.
Molecular consequence: nonsense.
Genome position (GRCh38, 1-based): chr7:5,741,031, C>T on the plus strand (G>A on the coding strand, the complement: RNF216 is on the minus strand). VCF-style: chr7-5741031-C-T. GRCh37 (hg19) VCF-style: chr7-5780662-C-T.
Other names: c.815G>A, p.Trp272Ter (NM_001377156.1, NM_207116.3); short protein forms W272*, W329*.
Identifiers: ClinVar variation 2444427 (VCV002444427.1), dbSNP rs1419567670, ClinGen allele CA366732717.